The following is an entry in ClinVar:

ClinVar aggregate classification (germline): Likely benign. Review status: criteria provided, multiple submitters, no conflicts (2 of 4 stars). 2 submissions from 2 submitters: Likely benign (2). Last evaluated 2025-12-19.

Conditions:
LOXL3-related disorder. Also called: LOXL3-related condition.

Allele frequency attached by ClinVar (database versions not stated): ExAC 0.00008.
gnomAD v4.1: 64 of 1,612,986 alleles (0.004%); highest among the groups gnomAD compares: South Asian, 0.068%; no homozygotes.

Submissions (2):

PreventionGenetics, part of Exact Sciences
Classification: Likely benign for LOXL3-related condition. Last evaluated: 2025-12-19. Review status: criteria provided, single submitter. Criteria: ACMG Guidelines, 2015. Collection method: clinical testing. Allele origin: germline.
Comment: This variant is classified as likely benign based on ACMG/AMP sequence variant interpretation guidelines (Richards et al. 2015 PMID: 25741868, with internal and published modifications).

Labcorp Genetics (formerly Invitae), Labcorp
Classification: Likely benign. Last evaluated: 2025-09-25. Review status: criteria provided, single submitter. Criteria: Invitae Variant Classification Sherloc (09022015). Collection method: clinical testing. Allele origin: germline.

NM_032603.5(LOXL3):c.594G>C (p.Ser198=)

Genes: DOK1 (docking protein 1; plus strand), LOXL3 (lysyl oxidase like 3; minus strand). Cytogenetic location: 2p13.1.
Variant type: single nucleotide variant.
Coding change: c.594G>C on transcript NM_032603.5 (MANE Select); coding-DNA position 594, G replaced by C.
Protein change: p.Ser198=; no amino-acid change (serine 198 retained).
Molecular consequence: synonymous variant. On other transcripts: 5 prime UTR variant (1), intron variant (2).
Genome position (GRCh38, 1-based): chr2:74,549,467, C>G on the plus strand (G>C on the coding strand, the complement: LOXL3 is on the minus strand). VCF-style: chr2-74549467-C-G. GRCh37 (hg19) VCF-style: chr2-74776594-C-G.
Other names: c.-270G>C (NM_001289165.2); c.477+718G>C (NM_001289164.3); c.-358+295C>G (NM_001197260.2).
Identifiers: ClinVar variation 798647 (VCV000798647.10), dbSNP rs781045766, ClinGen allele CA1729135.
Genomic context (GRCh38, chr2:74,549,467, plus strand): 5'-GCCCAGCATCCCGCAGACCACGTGGCTGTTGTGGGCGCTCCAGCCTTTGTCGCACACTTG[C>G]GACCAGCCGTCAGGAAGCCTGACTTCCACCAGCCCCTCCGTCACGGGCAGGGGTCGTCTG-3'
Protein context (NP_115992.1, residues 188-208): LVEVRLPDGW[Ser198=]QVCDKGWSAH